The following is an entry in ClinVar:

NM_002335.4(LRP5):c.3422T>C (p.Leu1141Pro)

Gene: LRP5 (LDL receptor related protein 5; plus strand). Cytogenetic location: 11q13.2.
Variant type: single nucleotide variant.
Coding change: c.3422T>C on transcript NM_002335.4 (MANE Select); coding-DNA position 3422, T replaced by C.
Protein change: p.Leu1141Pro; replaces leucine 1141 with proline.
Molecular consequence: missense variant.
Genome position (GRCh38, 1-based): chr11:68,425,287, T>C. VCF-style: chr11-68425287-T-C. GRCh37 (hg19) VCF-style: chr11-68192755-T-C.
Other names: c.1679T>C, p.Leu560Pro (NM_001291902.2); short protein forms L1141P, L560P.
Identifiers: ClinVar variation 3376582 (VCV003376582.1).

ClinVar aggregate classification (germline): Uncertain significance (1 of 4 stars; one submission).

Conditions:
Osteoporosis. Identifiers: MedGen C0029456, MONDO:0005298, OMIM 166710, HP:0000939.

gnomAD v4.1: 1 of 1,607,380 alleles (0.000062%); highest among the groups gnomAD compares: Non-Finnish European, 0.000085%; no homozygotes.

Submission:

Victorian Clinical Genetics Services, Murdoch Childrens Research Institute
Classification: Uncertain significance for Osteoporosis. Last evaluated: 2022-02-02. Review status: criteria provided, single submitter. Criteria: ACMG Guidelines, 2015. Collection method: clinical testing. Allele origin: germline. Inheritance: Autosomal dominant inheritance.
Comment: Based on the classification scheme VCGS_Germline_v1.3.4, this variant is classified as VUS-3A. Following criteria are met: 0103 - Loss of function and gain of function are known mechanisms of disease in this gene. Loss-of-function variants are associated with osteoporosis-pseudoglioma syndrome and familial exudative vitroretinopathy (PMID:11719191, PMID:15024691). Gain-of-function variants are associated with osteopetrosis (PMID: 12579474). (I) 0108 - This gene is associated with both recessive and dominant disease. Osteoporosis-pseudoglioma syndrome (OPPG) demonstrates a recessive inheritance pattern; however heterozygous individuals have been shown to have reduced bone mass and osteoporosis (PMID:11719191, PMID: 15824851). Familial exudative vitroretinopathy (FEVR) demonstrates both dominant and recessive inheritance patterns (OMIM). Osteopetrosis is dominantly inherited (PMID: 12579474). (I) 0200 - Variant is predicted to result in a missense amino acid change from leucine to proline. (I) 0251 - This variant is heterozygous. (I) 0302 - Variant is present in gnomAD (v2) <0.001 (1 heterozygote, 0 homozygotes). (SP) 0309 - An alternative amino acid change at the same position has been observed in gnomAD (v2) (1 heterozygote, 0 homozygotes). (I) 0501 - Missense variant consistently predicted to be damaging by multiple in silico tools or highly conserved with a major amino acid change. (SP) 0600 - Variant is located in the annotated low-density lipoprotein receptor class B repeat 19 domain (UniProt, DECIPHER). (I) 0705 - No comparable missense variants have previous evidence for pathogenicity. (I) 0807 - This variant has no previous evidence of pathogenicity. (I) 0905 - No published segregation evidence has been identified for this variant. (I) 1007 - No published functional evidence has been identified for this variant. (I) Legend: (SP) - Supporting pathogenic, (I) - Information, (SB) - Supporting benign

Literature cited by the submitters: PubMed 11719191; PubMed 12579474; PubMed 15024691; PubMed 15824851.